The following is an entry in ClinVar:

NM_000338.3(SLC12A1):c.1216-13T>A

Gene: SLC12A1 (solute carrier family 12 member 1; plus strand). Cytogenetic location: 15q21.1.
Variant type: single nucleotide variant.
Coding change: c.1216-13T>A on transcript NM_000338.3 (MANE Select); 13 bases into the intron before coding-DNA position 1216, T replaced by A.
Molecular consequence: intron variant.
Genome position (GRCh38, 1-based): chr15:48,241,502, T>A. VCF-style: chr15-48241502-T-A. GRCh37 (hg19) VCF-style: chr15-48533699-T-A.
Other names: c.1216-13T>A (NM_001184832.2).
Identifiers: ClinVar variation 884309 (VCV000884309.10), dbSNP rs200223149, ClinGen allele CA7547023.

ClinVar aggregate classification (germline): Benign/Likely benign. Review status: criteria provided, multiple submitters, no conflicts (2 of 4 stars). 4 submissions from 4 submitters: Benign (1); Likely benign (3). Last evaluated 2026-01-29.

Conditions:
Bartter disease type 1. Also called: HYPOKALEMIC ALKALOSIS WITH HYPERCALCIURIA 1, ANTENATAL; Bartter syndrome, type 1, antenatal; Bartter Syndrome type 1; HYPERPROSTAGLANDIN E SYNDROME 1. Identifiers: Orphanet 112, Orphanet 620217, MedGen C1866495, MONDO:0100344, OMIM 601678, MONDO:0011127.

Allele frequency attached by ClinVar (database versions not stated): gnomAD exomes 0.00045 and 0.00072; ExAC 0.00077; 1000 Genomes Project 30x 0.00109; 1000 Genomes Project 0.00120; gnomAD 0.00006 and 0.00021; ESP Exome Variant Server 0.00008; TOPMed 0.00010.
gnomAD v4.1: 697 of 1,594,548 alleles (0.044%); highest among the groups gnomAD compares: South Asian, 0.5%; 9 homozygotes.

Submissions (4):

Labcorp Genetics (formerly Invitae), Labcorp
Classification: Benign. Last evaluated: 2026-01-29. Review status: criteria provided, single submitter. Criteria: Invitae Variant Classification Sherloc (09022015). Collection method: clinical testing. Allele origin: germline.

Fulgent Genetics
Classification: Likely benign for Bartter disease type 1. Last evaluated: 2021-11-23. Review status: criteria provided, single submitter. Criteria: ACMG Guidelines, 2015. Collection method: clinical testing. Allele origin: unknown.

Illumina Laboratory Services, Illumina
Classification: Likely benign for Bartter disease type 1. Last evaluated: 2018-01-12. Review status: criteria provided, single submitter. Criteria: ICSL Variant Classification Criteria 13 December 2019. Collection method: clinical testing. Allele origin: germline.
Comment: This variant was observed in the ICSL laboratory as part of a predisposition screen in an ostensibly healthy population. It had not been previously curated by ICSL or reported in the Human Gene Mutation Database (HGMD: prior to June 1st, 2018), and was therefore a candidate for classification through an automated scoring system. Utilizing variant allele frequency, disease prevalence and penetrance estimates, and inheritance mode, an automated score was calculated to assess if this variant is too frequent to cause the disease. Based on the score and internal cut-off values, a variant classified as likely benign is not then subjected to further curation. The score for this variant resulted in a classification of likely benign for this disease.

Breakthrough Genomics
Classification: Likely benign. Review status: criteria provided, single submitter. Criteria: ACMG Guidelines, 2015. Collection method: not provided. Allele origin: germline. Inheritance: Autosomal recessive inheritance. Affected: yes.